The following is an entry in ClinVar:

ClinVar aggregate classification (germline): Uncertain significance (1 of 4 stars; one submission).

Conditions:
Cardiovascular phenotype. Identifiers: MedGen CN230736.

Submission:

Ambry Genetics
Classification: Uncertain significance for Cardiovascular phenotype. Last evaluated: 2026-01-25. Review status: criteria provided, single submitter. Criteria: Ambry Variant Classification Scheme 2023. Collection method: clinical testing. Allele origin: germline.
Comment: The p.R199L variant (also known as c.596G>T), located in coding exon 5 of the ENG gene, results from a G to T substitution at nucleotide position 596. The arginine at codon 199 is replaced by leucine, an amino acid with dissimilar properties. This amino acid position is conserved. In addition, this alteration is predicted to be tolerated by in silico analysis. Based on the available evidence, the clinical significance of this variant remains unclear.

NM_001114753.3(ENG):c.596G>T (p.Arg199Leu)

Gene: ENG (endoglin; minus strand). Cytogenetic location: 9q34.11.
Variant type: single nucleotide variant.
Coding change: c.596G>T on transcript NM_001114753.3 (MANE Select); coding-DNA position 596, G replaced by T.
Protein change: p.Arg199Leu; replaces arginine 199 with leucine.
Molecular consequence: missense variant.
Genome position (GRCh38, 1-based): chr9:127,825,788, C>A on the plus strand (G>T on the coding strand, the complement: ENG is on the minus strand). VCF-style: chr9-127825788-C-A. GRCh37 (hg19) VCF-style: chr9-130588067-C-A.
Other names: c.596G>T, p.Arg199Leu (NM_000118.4, NM_001406715.1); c.50G>T, p.Arg17Leu (NM_001278138.2); short protein forms R17L, R199L.
Identifiers: ClinVar variation 4824978 (VCV004824978.1).